The following is an entry in ClinVar:

ClinVar aggregate classification (germline): Likely benign (1 of 4 stars; one submission).

gnomAD v4.1: 1 of 152,128 alleles (0.00066%); highest among the groups gnomAD compares: Non-Finnish European, 0.0015%; no homozygotes.

Submission:

CeGaT Center for Human Genetics Tuebingen
Classification: Likely benign. Last evaluated: 2026-01-01. Review status: criteria provided, single submitter. Criteria: CeGaT Center For Human Genetics Tuebingen Variant Classification Criteria Version 2. Collection method: clinical testing. Allele origin: germline. Affected: yes. Observed: 1 variant allele.
Comment: MYH7: BP4, BP7

NM_000257.4(MYH7):c.5790+391C>T

Gene: MYH7 (myosin heavy chain 7; minus strand). Cytogenetic location: 14q11.2.
Variant type: single nucleotide variant.
Coding change: c.5790+391C>T on transcript NM_000257.4 (MANE Select); 391 bases into the intron after coding-DNA position 5790, C replaced by T.
Molecular consequence: intron variant.
Genome position (GRCh38, 1-based): chr14:23,413,368, G>A on the plus strand (C>T on the coding strand, the complement: MYH7 is on the minus strand). VCF-style: chr14-23413368-G-A. GRCh37 (hg19) VCF-style: chr14-23882577-G-A.
Other names: c.5790+391C>T (NM_001407004.1).
Identifiers: ClinVar variation 4822685 (VCV004822685.4).